The following is an entry in ClinVar:

ClinVar aggregate classification (germline): Uncertain significance (1 of 4 stars; one submission).

gnomAD v4.1: 5 of 1,613,266 alleles (0.00031%); highest among the groups gnomAD compares: Admixed American, 0.005%; no homozygotes.

Submission:

Labcorp Genetics (formerly Invitae), Labcorp
Classification: Uncertain significance. Last evaluated: 2025-05-11. Review status: criteria provided, single submitter. Criteria: Invitae Variant Classification Sherloc (09022015). Collection method: clinical testing. Allele origin: germline.
Comment: This sequence change replaces leucine, which is neutral and non-polar, with proline, which is neutral and non-polar, at codon 87 of the SMAD2 protein (p.Leu87Pro). This variant is present in population databases (rs779006352, gnomAD 0.003%). This variant has not been reported in the literature in individuals affected with SMAD2-related conditions. Invitae Evidence Modeling of protein sequence and biophysical properties (such as structural, functional, and spatial information, amino acid conservation, physicochemical variation, residue mobility, and thermodynamic stability) indicates that this missense variant is not expected to disrupt SMAD2 protein function with a negative predictive value of 95%. In summary, the available evidence is currently insufficient to determine the role of this variant in disease. Therefore, it has been classified as a Variant of Uncertain Significance.

NM_005901.6(SMAD2):c.260T>C (p.Leu87Pro)

Gene: SMAD2 (SMAD family member 2; minus strand). Cytogenetic location: 18q21.1.
Variant type: single nucleotide variant.
Coding change: c.260T>C on transcript NM_005901.6 (MANE Select); coding-DNA position 260, T replaced by C.
Protein change: p.Leu87Pro; replaces leucine 87 with proline.
Molecular consequence: missense variant. On other transcripts: intron variant (1).
Genome position (GRCh38, 1-based): chr18:47,870,541, A>G on the plus strand (T>C on the coding strand, the complement: SMAD2 is on the minus strand). VCF-style: chr18-47870541-A-G. GRCh37 (hg19) VCF-style: chr18-45396912-A-G.
Other names: c.260T>C, p.Leu87Pro (NM_001003652.4); c.237-1105T>C (NM_001135937.3); short protein forms L87P.
Identifiers: ClinVar variation 4748444 (VCV004748444.1).